The following is an entry in ClinVar:

NM_153214.3(FBLN7):c.672C>T (p.Asp224=)

Gene: FBLN7 (fibulin 7; plus strand). Cytogenetic location: 2q13.
Variant type: single nucleotide variant.
Coding change: c.672C>T on transcript NM_153214.3 (MANE Select); coding-DNA position 672, C replaced by T.
Protein change: p.Asp224=; no amino-acid change (aspartic acid 224 retained).
Molecular consequence: synonymous variant.
Genome position (GRCh38, 1-based): chr2:112,182,792, C>T. VCF-style: chr2-112182792-C-T. GRCh37 (hg19) VCF-style: chr2-112940369-C-T.
Other names: c.534C>T, p.Asp178= (NM_001128165.2).
Identifiers: ClinVar variation 2651271 (VCV002651271.24), dbSNP rs147423265, ClinGen allele CA1832887.

ClinVar aggregate classification (germline): Likely benign (1 of 4 stars; one submission).

Allele frequency attached by ClinVar (database versions not stated): 1000 Genomes Project 30x 0.00016; gnomAD 0.00112; TOPMed 0.00121; gnomAD exomes 0.00155; ESP Exome Variant Server 0.00177; ExAC 0.00182.
gnomAD v4.1: 2,397 of 1,598,296 alleles (0.15%); highest among the groups gnomAD compares: Non-Finnish European, 0.19%; 4 homozygotes.

Submission:

CeGaT Center for Human Genetics Tuebingen
Classification: Likely benign. Last evaluated: 2023-02-01. Review status: criteria provided, single submitter. Criteria: CeGaT Center For Human Genetics Tuebingen Variant Classification Criteria Version 2. Collection method: clinical testing. Allele origin: germline. Affected: yes. Observed: 1 variant allele.
Comment: FBLN7: BP4, BS2